The following is an entry in ClinVar:

ClinVar aggregate classification (germline): Benign/Likely benign. Review status: criteria provided, multiple submitters, no conflicts (2 of 4 stars). 4 submissions from 4 submitters: Benign (1); Likely benign (3). Last evaluated 2025-09-20.

Conditions:
Arrhythmogenic cardiomyopathy with wooly hair and keratoderma. Also called: PALMOPLANTAR KERATODERMA WITH LEFT VENTRICULAR CARDIOMYOPATHY AND WOOLLY HAIR; Carvajal syndrome; Dilated cardiomyopathy with woolly hair and keratoderma; Arrhythmogenic cardiomyopathy with woolly hair and keratoderma. Identifiers: Orphanet 65282, MedGen C1854063, MONDO:0011581, OMIM 605676.
Arrhythmogenic right ventricular dysplasia 8 (ARVD8). Also called: Arrhythmogenic Right Ventricular Dysplasia/Cardiomyopathy 8; ARRHYTHMOGENIC RIGHT VENTRICULAR DYSPLASIA, FAMILIAL, 8; ARRHYTHMOGENIC RIGHT VENTRICULAR CARDIOMYOPATHY 8. Identifiers: MedGen C1843896, MONDO:0011831, OMIM 607450.
Cardiovascular phenotype. Identifiers: MedGen CN230736.
Cardiomyopathy (CMYO). Also called: Cardiomyopathies. Identifiers: Orphanet 167848, MedGen C0878544, MONDO:0004994, HP:0001638. Inheritance: Various modes of inheritance.

Allele frequency attached by ClinVar (database versions not stated): gnomAD exomes 0.00001 and 0.00004; ExAC 0.00002; TOPMed 0.00002; gnomAD 0.00003.
gnomAD v4.1: 15 of 1,614,160 alleles (0.00093%); highest among the groups gnomAD compares: East Asian, 0.031%; no homozygotes.

Submissions (4):

Labcorp Genetics (formerly Invitae), Labcorp
Classification: Benign for Arrhythmogenic cardiomyopathy with wooly hair and keratoderma; Arrhythmogenic right ventricular dysplasia 8. Last evaluated: 2025-09-20. Review status: criteria provided, single submitter. Criteria: Invitae Variant Classification Sherloc (09022015). Collection method: clinical testing. Allele origin: germline.

Ambry Genetics
Classification: Likely benign for Cardiovascular phenotype. Last evaluated: 2023-11-09. Review status: criteria provided, single submitter. Criteria: Ambry Variant Classification Scheme 2023. Collection method: clinical testing. Allele origin: germline.

All of Us Research Program, National Institutes of Health
Classification: Likely benign for Arrhythmogenic cardiomyopathy with wooly hair and keratoderma. Last evaluated: 2023-08-25. Review status: criteria provided, single submitter. Criteria: ACMG Guidelines, 2015. Collection method: clinical testing. Allele origin: germline. Inheritance: Autosomal dominant inheritance. Observed: 4 variant alleles, 4 heterozygotes.
Comment: This study involves interpretation of variants in research participants for the purpose of population health screening. Participant phenotype was not available at the time of variant classification. Additional details can be found in publication PMID: 35346344, PMCID: PMC8962531

Color Diagnostics, LLC DBA Color Health
Classification: Likely benign for Cardiomyopathy. Last evaluated: 2019-09-25. Review status: criteria provided, single submitter. Criteria: ACMG Guidelines, 2015. Collection method: clinical testing. Allele origin: germline.

NM_004415.4(DSP):c.8433G>A (p.Lys2811=)

Gene: DSP (desmoplakin; plus strand). Cytogenetic location: 6p24.3.
Variant type: single nucleotide variant.
Coding change: c.8433G>A on transcript NM_004415.4 (MANE Select); coding-DNA position 8433, G replaced by A.
Protein change: p.Lys2811=; no amino-acid change (lysine 2811 retained).
Molecular consequence: synonymous variant.
Genome position (GRCh38, 1-based): chr6:7,585,695, G>A. VCF-style: chr6-7585695-G-A. GRCh37 (hg19) VCF-style: chr6-7585928-G-A.
Other names: c.8433G>A (LRG_423t1); c.6636G>A, p.Lys2212= (NM_001008844.3); c.7104G>A, p.Lys2368= (NM_001319034.2).
Identifiers: ClinVar variation 405231 (VCV000405231.17), dbSNP rs753011095, ClinGen allele CA052317.
Genomic context (GRCh38, chr6:7,585,695, plus strand): 5'-CTCCATGGTAGAAGATATCACTGGGCTGCGCCTTCTGGAAGCCGCCTCCGTGTCGTCCAA[G>A]GGCTTACCCAGCCCTTACAACATGTCTTCGGCTCCGGGGTCCCGCTCCGGCTCCCGCTCG-3'
Protein context (NP_004406.2, residues 2801-2821): RLLEAASVSS[Lys2811=]GLPSPYNMSS